The following is an entry in ClinVar:

ClinVar aggregate classification (germline): Uncertain significance (1 of 4 stars; one submission).

gnomAD v4.1: 3 of 1,613,508 alleles (0.00019%); highest among the groups gnomAD compares: Non-Finnish European, 0.00025%; no homozygotes.

Submission:

Women's Health and Genetics/Laboratory Corporation of America, LabCorp
Classification: Uncertain significance. Last evaluated: 2025-12-30. Review status: criteria provided, single submitter. Criteria: LabCorp Variant Classification Summary - May 2015. Collection method: clinical testing. Allele origin: germline.
Comment: Variant summary: MFF c.533A>T (p.Asp178Val) results in a non-conservative amino acid change in the encoded protein sequence. Algorithms developed to predict the effect of missense changes on protein structure and function are either unavailable or do not agree on the potential impact of this missense change. The variant allele was found at a frequency of 4e-06 in 251118 control chromosomes. The available data on variant occurrences in the general population are insufficient to allow any conclusion about variant significance. To our knowledge, no occurrence of c.533A>T in individuals affected with MFF-related conditions and no experimental evidence demonstrating its impact on protein function have been reported. No submitters have cited clinical-significance assessments for this variant to ClinVar. Based on the evidence outlined above, the variant was classified as uncertain significance.

NM_001277062.2(MFF):c.440+2379A>T

Gene: MFF (mitochondrial fission factor; plus strand). Cytogenetic location: 2q36.3.
Variant type: single nucleotide variant.
Coding change: c.440+2379A>T on transcript NM_001277062.2 (MANE Select); 2379 bases into the intron after coding-DNA position 440, A replaced by T.
Molecular consequence: intron variant. On other transcripts: missense variant (3).
Genome position (GRCh38, 1-based): chr2:227,342,759, A>T. VCF-style: chr2-227342759-A-T. GRCh37 (hg19) VCF-style: chr2-228207475-A-T.
Other names: c.533A>T, p.Asp178Val (NM_001277061.2, NM_020194.5); c.455A>T, p.Asp152Val (NM_001277063.2); c.440+2379A>T (NM_001277064.2, NM_001277065.2, NM_001277066.2 and 1 more transcripts); c.290+2379A>T (NM_001277067.1); short protein forms D152V, D178V.
Identifiers: ClinVar variation 4688273 (VCV004688273.1).
Genomic context (GRCh38, chr2:227,342,759, plus strand): 5'-TGTTATAAAAGCTGAATATGTAAAAGAAGCATAATTATTATTTAAGGTGGCACAGATCAG[A>T]TTCTGCCCCAAGAAATAAAATTTCAAGGTTCCAGGCACCGATTTCTGCACCGGAGTACAC-3'